The following is an entry in ClinVar:

ClinVar aggregate classification (germline): Uncertain significance (1 of 4 stars; one submission).

Allele frequency attached by ClinVar (database versions not stated): ExAC 0.00001; ESP Exome Variant Server 0.00008.

Submission:

Labcorp Genetics (formerly Invitae), Labcorp
Classification: Uncertain significance. Last evaluated: 2021-04-06. Review status: criteria provided, single submitter. Criteria: Invitae Variant Classification Sherloc (09022015). Collection method: clinical testing. Allele origin: germline.
Comment: In summary, the available evidence is currently insufficient to determine the role of this variant in disease. Therefore, it has been classified as a Variant of Uncertain Significance. Algorithms developed to predict the effect of missense changes on protein structure and function are either unavailable or do not agree on the potential impact of this missense change (SIFT: "Not Available"; PolyPhen-2: "Probably Damaging"; Align-GVGD: "Not Available"). This variant has not been reported in the literature in individuals with USB1-related conditions. This variant is present in population databases (rs371393773, ExAC 0.002%). This sequence change replaces glutamic acid with aspartic acid at codon 77 of the USB1 protein (p.Glu77Asp). The glutamic acid residue is highly conserved and there is a small physicochemical difference between glutamic acid and aspartic acid.

NM_024598.4(USB1):c.231G>T (p.Glu77Asp)

Gene: USB1 (U6 snRNA biogenesis phosphodiesterase 1; plus strand). Cytogenetic location: 16q21.
Variant type: single nucleotide variant.
Coding change: c.231G>T on transcript NM_024598.4 (MANE Select); coding-DNA position 231, G replaced by T.
Protein change: p.Glu77Asp; replaces glutamic acid 77 with aspartic acid.
Molecular consequence: missense variant.
Genome position (GRCh38, 1-based): chr16:58,002,611, G>T. VCF-style: chr16-58002611-G-T. GRCh37 (hg19) VCF-style: chr16-58036515-G-T.
Other names: c.231G>T, p.Glu77Asp (NM_001195302.2, NM_001204911.2, NM_001330569.2); c.78G>T, p.Glu26Asp (NM_001330568.2); short protein forms E26D, E77D.
Identifiers: ClinVar variation 1523541 (VCV001523541.6), dbSNP rs371393773, ClinGen allele CA8084842.